The following is an entry in ClinVar:

NM_001613.4(ACTA2):c.494T>A (p.Val165Asp)

Gene: ACTA2 (actin alpha 2, smooth muscle; minus strand). Cytogenetic location: 10q23.31.
Variant type: single nucleotide variant.
Coding change: c.494T>A on transcript NM_001613.4 (MANE Select); coding-DNA position 494, T replaced by A.
Protein change: p.Val165Asp; replaces valine 165 with aspartic acid.
Molecular consequence: missense variant.
Genome position (GRCh38, 1-based): chr10:88,941,351, A>T on the plus strand (T>A on the coding strand, the complement: ACTA2 is on the minus strand). VCF-style: chr10-88941351-A-T. GRCh37 (hg19) VCF-style: chr10-90701108-A-T.
Other names: c.494T>A, p.Val165Asp (NM_001141945.3, NM_001320855.2, NM_001406462.1 and 3 more transcripts); c.383T>A, p.Val128Asp (NM_001406466.1); c.365T>A, p.Val122Asp (NM_001406467.1, NM_001406468.1, NM_001406469.1); short protein forms V128D, V165D, V122D.
Identifiers: ClinVar variation 4739012 (VCV004739012.1).

ClinVar aggregate classification (germline): Uncertain significance (1 of 4 stars; one submission).

Conditions:
Aortic aneurysm, familial thoracic 6 (AAT6). Also called: FAMILIAL THORACIC AORTIC ANEURYSM WITH LIVEDO RETICULARIS AND IRIS FLOCCULI. Identifiers: MedGen C2673186, MONDO:0012730, OMIM 611788.

Submission:

Labcorp Genetics (formerly Invitae), Labcorp
Classification: Uncertain significance for Aortic aneurysm, familial thoracic 6. Last evaluated: 2025-06-03. Review status: criteria provided, single submitter. Criteria: Invitae Variant Classification Sherloc (09022015). Collection method: clinical testing. Allele origin: germline.
Comment: This sequence change replaces valine, which is neutral and non-polar, with aspartic acid, which is acidic and polar, at codon 165 of the ACTA2 protein (p.Val165Asp). This variant is not present in population databases (gnomAD no frequency). This variant has not been reported in the literature in individuals affected with ACTA2-related conditions. Invitae Evidence Modeling of protein sequence and biophysical properties (such as structural, functional, and spatial information, amino acid conservation, physicochemical variation, residue mobility, and thermodynamic stability) indicates that this missense variant is expected to disrupt ACTA2 protein function with a positive predictive value of 80%. In summary, the available evidence is currently insufficient to determine the role of this variant in disease. Therefore, it has been classified as a Variant of Uncertain Significance.